The following is an entry in ClinVar:

NM_015046.7(SETX):c.2176T>C (p.Cys726Arg)

Gene: SETX (senataxin; minus strand). Cytogenetic location: 9q34.13.
Variant type: single nucleotide variant.
Coding change: c.2176T>C on transcript NM_015046.7 (MANE Select); coding-DNA position 2176, T replaced by C.
Protein change: p.Cys726Arg; replaces cysteine 726 with arginine.
Molecular consequence: missense variant.
Genome position (GRCh38, 1-based): chr9:132,329,422, A>G on the plus strand (T>C on the coding strand, the complement: SETX is on the minus strand). VCF-style: chr9-132329422-A-G. GRCh37 (hg19) VCF-style: chr9-135204809-A-G.
Other names: c.2176T>C, p.Cys726Arg (NM_001351527.2, NM_001351528.2); short protein forms C726R.
Identifiers: ClinVar variation 586540 (VCV000586540.18), dbSNP rs377734748, ClinGen allele CA5297651.

ClinVar aggregate classification (germline): Conflicting classifications of pathogenicity. Review status: criteria provided, conflicting classifications (1 of 4 stars). 8 submissions from 7 submitters: Uncertain significance (6); Likely benign (1). 1 of the submissions does not count toward it. Last evaluated 2025-11-24.

Conditions:
Spinocerebellar ataxia, autosomal recessive, with axonal neuropathy 2 (SCAN2). Also called: Ataxia-ocular apraxia-2; Ataxia with Oculomotor Apraxia Type 2; ATAXIA-OCULOMOTOR APRAXIA 2; Ataxia with Oculomotor Apraxia. Identifiers: MONDO:0018996, OMIM 606002, Orphanet 64753, MedGen C1853761.
Amyotrophic lateral sclerosis type 4 (ALS4). Also called: AMYOTROPHIC LATERAL SCLEROSIS 4, JUVENILE; NEURONOPATHY, DISTAL HEREDITARY MOTOR, WITH PYRAMIDAL FEATURES. Identifiers: Orphanet 357043, MedGen C1865409, MONDO:0011223, OMIM 602433.
SETX-related disorder. Also called: SETX-related disorders; SETX-related condition. Identifiers: MedGen CN239403.
Inborn genetic diseases. Identifiers: MedGen C0950123, MeSH D030342.

Allele frequency attached by ClinVar (database versions not stated): ExAC 0.00002; gnomAD exomes 0.00002 and 0.00006; gnomAD 0.00004; TOPMed 0.00005; ESP Exome Variant Server 0.00015.
gnomAD v4.1: 97 of 1,613,614 alleles (0.006%); highest among the groups gnomAD compares: Non-Finnish European, 0.008%; no homozygotes.

Submissions (8):

Labcorp Genetics (formerly Invitae), Labcorp
Classification: Likely benign for Amyotrophic lateral sclerosis type 4; Spinocerebellar ataxia, autosomal recessive, with axonal neuropathy 2. Last evaluated: 2025-11-24. Review status: criteria provided, single submitter. Criteria: Invitae Variant Classification Sherloc (09022015). Collection method: clinical testing. Allele origin: germline.

Athena Diagnostics
Classification: Uncertain significance. Last evaluated: 2025-08-11. Review status: criteria provided, single submitter. Criteria: Athena Diagnostics Criteria. Collection method: clinical testing. Allele origin: unknown.
Comment: Available data are insufficient to determine the clinical significance of the variant at this time. The frequency of this variant in the general population is uninformative in assessment of its pathogenicity. Polyphen and MutationTaster predict this amino acid change may be benign.

Genome-Nilou Lab
Classification: Uncertain significance for Spinocerebellar ataxia, autosomal recessive, with axonal neuropathy 2. Last evaluated: 2023-02-08. Review status: criteria provided, single submitter. Criteria: ACMG Guidelines, 2015. Collection method: clinical testing. Allele origin: germline.

Genome-Nilou Lab
Classification: Uncertain significance for Amyotrophic lateral sclerosis type 4. Last evaluated: 2023-02-08. Review status: criteria provided, single submitter. Criteria: ACMG Guidelines, 2015. Collection method: clinical testing. Allele origin: germline.

GeneDx
Classification: Uncertain significance. Last evaluated: 2020-11-13. Review status: criteria provided, single submitter. Criteria: GeneDx Variant Classification Process June 2021. Collection method: clinical testing. Allele origin: germline. Affected: yes.
Comment: Not observed at a significant frequency in large population cohorts (Lek et al., 2016); In silico analysis supports that this missense variant does not alter protein structure/function; Has not been previously published as pathogenic or benign to our knowledge

Ambry Genetics
Classification: Uncertain significance for Inborn genetic diseases. Last evaluated: 2020-06-18. Review status: criteria provided, single submitter. Criteria: Ambry Variant Classification Scheme 2023. Collection method: clinical testing. Allele origin: germline.
Comment: The p.C726R variant (also known as c.2176T>C), located in coding exon 8 of the SETX gene, results from a T to C substitution at nucleotide position 2176. The cysteine at codon 726 is replaced by arginine, an amino acid with highly dissimilar properties. This amino acid position is not well conserved in available vertebrate species. In addition, this alteration is predicted to be tolerated by in silico analysis. Since supporting evidence is limited at this time, the clinical significance of this alteration remains unclear.

Mayo Clinic Laboratories, Mayo Clinic
Classification: Uncertain significance. Last evaluated: 2019-10-27. Review status: criteria provided, single submitter. Criteria: ACMG Guidelines, 2015. Collection method: clinical testing. Allele origin: germline. Observed: 1 variant allele.

PreventionGenetics, part of Exact Sciences
Classification: Uncertain significance for SETX-related condition. Last evaluated: 2024-01-16. Review status: no assertion criteria provided. Collection method: clinical testing. Allele origin: germline. Not counted in ClinVar's aggregate classification.
Comment: The SETX c.2176T>C variant is predicted to result in the amino acid substitution p.Cys726Arg. To our knowledge, this variant has not been reported in the literature. This variant is reported in 0.0040% of alleles in individuals of African descent in gnomAD. At this time, the clinical significance of this variant is uncertain due to the absence of conclusive functional and genetic evidence.